The following is an entry in ClinVar:

NM_000485.3(APRT):c.372CGT[1] (p.Val126del)

Gene: APRT (adenine phosphoribosyltransferase; minus strand). Cytogenetic location: 16q24.3.
Variant type: Microsatellite.
Coding change: c.372CGT[1] on transcript NM_000485.3 (MANE Select); one copy of the 3-base unit CGT starting at c.372; the reference has two copies in a row; one copy, 3 bases deleted.
Protein change: p.Val126del; deletes valine 126.
Molecular consequence: inframe deletion.
Genome position (GRCh38, 1-based): chr16:88,810,093-88,810,095, ACG deleted on the plus strand (CGT on the coding strand, the reverse complement: APRT is on the minus strand); deleting any 3 consecutive bases within chr16:88,810,093-88,810,100 gives the same sequence; the position shown is the placement nearest the transcript's 3' end. VCF-style (leftmost placement, unchanged base first): chr16-88810092-CACG-C. GRCh37 (hg19) VCF-style: chr16-88876500-CACG-C.
Other names: c.372CGT[1], p.Val126del (NM_001030018.2); short protein forms V126del.
Identifiers: ClinVar variation 2115627 (VCV002115627.4), dbSNP rs2508231700, ClinGen allele CA2580613920.

ClinVar aggregate classification (germline): Uncertain significance (1 of 4 stars; one submission).

Submission:

Labcorp Genetics (formerly Invitae), Labcorp
Classification: Uncertain significance. Last evaluated: 2024-11-05. Review status: criteria provided, single submitter. Criteria: Invitae Variant Classification Sherloc (09022015). Collection method: clinical testing. Allele origin: germline.
Comment: This variant, c.375_377del, results in the deletion of 1 amino acid(s) of the APRT protein (p.Val126del), but otherwise preserves the integrity of the reading frame. This variant is not present in population databases (gnomAD no frequency). This variant has not been reported in the literature in individuals affected with APRT-related conditions. Experimental studies and prediction algorithms are not available or were not evaluated, and the functional significance of this variant is currently unknown. In summary, the available evidence is currently insufficient to determine the role of this variant in disease. Therefore, it has been classified as a Variant of Uncertain Significance.